The following is an entry in ClinVar:

ClinVar aggregate classification (germline): Pathogenic (1 of 4 stars; one submission).

Conditions:
Agenesis of the corpus callosum with peripheral neuropathy (ACCPN). Also called: CHARLEVOIX DISEASE; POLYNEUROPATHY, SENSORIMOTOR, WITH OR WITHOUT AGENESIS OF THE CORPUS CALLOSUM; HMSN/ACC; Hereditary Motor and Sensory Neuropathy with Agenesis of the Corpus Callosum. Identifiers: Orphanet 1496, MedGen C0795950, MONDO:0000902, OMIM 218000. Disease mechanism: loss of function.

Submission:

Women's Health and Genetics/Laboratory Corporation of America, LabCorp
Classification: Pathogenic for Agenesis of the corpus callosum with peripheral neuropathy. Last evaluated: 2026-05-05. Review status: criteria provided, single submitter. Criteria: LabCorp Variant Classification Summary - May 2015. Collection method: clinical testing. Allele origin: germline.
Comment: Variant summary: SLC12A6 c.151delG (p.Val51CysfsX10) results in a premature termination codon, predicted to cause absence of the protein due to nonsense mediated decay, which is a commonly known mechanism for disease. The variant was absent in 249638 control chromosomes. To our knowledge, no occurrence of c.151delG in individuals affected with SLC12A6-related conditions and no experimental evidence demonstrating its impact on protein function have been reported. No submitters have cited clinical-significance assessments for this variant to ClinVar. Based on the evidence outlined above, the variant was classified as pathogenic.

NM_001365088.1(SLC12A6):c.151del (p.Val51fs)

Gene: SLC12A6 (solute carrier family 12 member 6; minus strand). Cytogenetic location: 15q14.
Variant type: Deletion.
Coding change: c.151del on transcript NM_001365088.1 (MANE Select); coding-DNA position 151, one base deleted (G; older notation c.151delG).
Protein change: p.Val51fs; shifts the reading frame from valine 51.
Molecular consequence: frameshift variant. On other transcripts: 5 prime UTR variant (2).
Genome position (GRCh38, 1-based): chr15:34,336,530, C deleted on the plus strand (G on the coding strand, the reverse complement: SLC12A6 is on the minus strand). VCF-style (leftmost placement, unchanged base first): chr15-34336529-AC-A. GRCh37 (hg19) VCF-style: chr15-34628730-AC-A.
Other names: c.-27del (NM_001042494.2, NM_001042495.2); c.124del, p.Val42fs (NM_001042496.2); c.151del, p.Val51fs (NM_001042497.2, NM_133647.2); c.151delG (NM_133647.2); short protein forms V42fs, V51fs.
Identifiers: ClinVar variation 4853551 (VCV004853551.1).